The following is an entry in ClinVar:

NM_004444.5(EPHB4):c.2370G>C (p.Glu790Asp)

Genes: EPHB4 (EPH receptor B4; minus strand), LOC126860124 (CDK7 strongly-dependent group 2 enhancer GRCh37_chr7:100403701-100404900; plus strand). Cytogenetic location: 7q22.1.
Variant type: single nucleotide variant.
Coding change: c.2370G>C on transcript NM_004444.5 (MANE Select); coding-DNA position 2370, G replaced by C.
Protein change: p.Glu790Asp; replaces glutamic acid 790 with aspartic acid.
Molecular consequence: missense variant.
Genome position (GRCh38, 1-based): chr7:100,806,534, C>G on the plus strand (G>C on the coding strand, the complement: EPHB4 is on the minus strand). VCF-style: chr7-100806534-C-G. GRCh37 (hg19) VCF-style: chr7-100404156-C-G.
Other names: short protein forms E790D.
Identifiers: ClinVar variation 2861988 (VCV002861988.3), dbSNP rs1001170707, ClinGen allele CA368567842.
Genomic context (GRCh38, chr7:100,806,534, plus strand): 5'-CATCACAATCCCGTAACTCCAGGCATCACTGGCGGAAGTGAACTTCCGGAAGGCAATGGC[C>G]TCCGGGGCAGTCCATCGGATGGGAATCTTTCCTCCCTGCAGAAAAAGGAGAAAAGGTGAG-3'
Protein context (NP_004435.3, residues 780-800): GKIPIRWTAP[Glu790Asp]AIAFRKFTSA

ClinVar aggregate classification (germline): Uncertain significance (1 of 4 stars; one submission).

Submission:

Labcorp Genetics (formerly Invitae), Labcorp
Classification: Uncertain significance. Last evaluated: 2023-05-15. Review status: criteria provided, single submitter. Criteria: Invitae Variant Classification Sherloc (09022015). Collection method: clinical testing. Allele origin: germline.
Comment: In summary, the available evidence is currently insufficient to determine the role of this variant in disease. Therefore, it has been classified as a Variant of Uncertain Significance. Advanced modeling of protein sequence and biophysical properties (such as structural, functional, and spatial information, amino acid conservation, physicochemical variation, residue mobility, and thermodynamic stability) performed at Invitae indicates that this missense variant is expected to disrupt EPHB4 protein function. This variant has not been reported in the literature in individuals affected with EPHB4-related conditions. This variant is not present in population databases (gnomAD no frequency). This sequence change replaces glutamic acid, which is acidic and polar, with aspartic acid, which is acidic and polar, at codon 790 of the EPHB4 protein (p.Glu790Asp).